The following is an entry in ClinVar:

ClinVar aggregate classification (germline): Uncertain significance (1 of 4 stars; one submission).

Allele frequency attached by ClinVar (database versions not stated): gnomAD 0.00001; gnomAD exomes 0.00001; TOPMed 0.00001; ExAC 0.00002.
gnomAD v4.1: 13 of 1,612,656 alleles (0.00081%); highest among the groups gnomAD compares: Non-Finnish European, 0.0011%; no homozygotes.

Submission:

CeGaT Center for Human Genetics Tuebingen
Classification: Uncertain significance. Last evaluated: 2023-07-01. Review status: criteria provided, single submitter. Criteria: CeGaT Center For Human Genetics Tuebingen Variant Classification Criteria Version 2. Collection method: clinical testing. Allele origin: germline. Affected: yes. Observed: 1 variant allele.
Comment: TTN: PM2:Supporting, BP4

NM_001267550.2(TTN):c.59726T>C (p.Ile19909Thr)

Genes: TTN (titin; minus strand), TTN-AS1 (TTN antisense RNA 1; plus strand), LOC126806424 (CDK7 strongly-dependent group 2 enhancer GRCh37_chr2:179456337-179457536; plus strand). Cytogenetic location: 2q31.2.
Variant type: single nucleotide variant.
Coding change: c.59726T>C on transcript NM_001267550.2 (MANE Select); coding-DNA position 59726, T replaced by C.
Protein change: p.Ile19909Thr; replaces isoleucine 19909 with threonine.
Molecular consequence: missense variant.
Genome position (GRCh38, 1-based): chr2:178,592,178, A>G on the plus strand (T>C on the coding strand, the complement: TTN is on the minus strand). VCF-style: chr2-178592178-A-G. GRCh37 (hg19) VCF-style: chr2-179456905-A-G.
Other names: c.54803T>C, p.Ile18268Thr (NM_001256850.1); c.32531T>C, p.Ile10844Thr (NM_003319.4); c.52022T>C, p.Ile17341Thr (NM_133378.4); c.32906T>C, p.Ile10969Thr (NM_133432.3); c.33107T>C, p.Ile11036Thr (NM_133437.4); short protein forms I10844T, I10969T, I11036T, I17341T, I18268T, I19909T.
Identifiers: ClinVar variation 2578883 (VCV002578883.25), dbSNP rs775088892, ClinGen allele CA1992611.